The following is an entry in ClinVar:

NM_001372.4(DNAH9):c.11192T>C (p.Ile3731Thr)

Gene: DNAH9 (dynein axonemal heavy chain 9; plus strand). Cytogenetic location: 17p12.
Variant type: single nucleotide variant.
Coding change: c.11192T>C on transcript NM_001372.4 (MANE Select); coding-DNA position 11192, T replaced by C.
Protein change: p.Ile3731Thr; replaces isoleucine 3731 with threonine.
Molecular consequence: missense variant.
Genome position (GRCh38, 1-based): chr17:11,891,856, T>C. VCF-style: chr17-11891856-T-C. GRCh37 (hg19) VCF-style: chr17-11795173-T-C.
Other names: c.128T>C, p.Ile43Thr (NM_004662.2); c.11192T>C (NM_001372.3); short protein forms I43T, I3731T.
Identifiers: ClinVar variation 1422294 (VCV001422294.5), dbSNP rs943733730, ClinGen allele CA288020550.

ClinVar aggregate classification (germline): Uncertain significance. Review status: criteria provided, multiple submitters, no conflicts (2 of 4 stars). 3 submissions from 3 submitters: Uncertain significance (3). Last evaluated 2021-10-26.

Conditions:
Inborn genetic diseases. Identifiers: MedGen C0950123, MeSH D030342.

Allele frequency attached by ClinVar (database versions not stated): gnomAD exomes below 0.00001 and 0.00001; gnomAD 0.00006 and 0.00007; TOPMed 0.00013.
gnomAD v4.1: 22 of 1,613,988 alleles (0.0014%); highest among the groups gnomAD compares: Admixed American, 0.01%; no homozygotes.

Submissions (3):

Ambry Genetics
Classification: Uncertain significance for Inborn genetic diseases. Last evaluated: 2021-10-26. Review status: criteria provided, single submitter. Criteria: Ambry Variant Classification Scheme 2023. Collection method: clinical testing. Allele origin: germline.

Blueprint Genetics
Classification: Uncertain significance. Last evaluated: 2021-10-15. Review status: criteria provided, single submitter. Criteria: ACMG Guidelines, 2015. Collection method: clinical testing. Allele origin: germline.

Labcorp Genetics (formerly Invitae), Labcorp
Classification: Uncertain significance. Last evaluated: 2021-10-09. Review status: criteria provided, single submitter. Criteria: Invitae Variant Classification Sherloc (09022015). Collection method: clinical testing. Allele origin: germline.
Comment: This sequence change replaces isoleucine with threonine at codon 3731 of the DNAH9 protein (p.Ile3731Thr). The isoleucine residue is moderately conserved and there is a moderate physicochemical difference between isoleucine and threonine. This variant is not present in population databases (ExAC no frequency). This variant has not been reported in the literature in individuals affected with DNAH9-related conditions. Algorithms developed to predict the effect of missense changes on protein structure and function output the following: SIFT: "Deleterious"; PolyPhen-2: "Benign"; Align-GVGD: "Class C0". The threonine amino acid residue is found in multiple mammalian species, which suggests that this missense change does not adversely affect protein function. In summary, the available evidence is currently insufficient to determine the role of this variant in disease. Therefore, it has been classified as a Variant of Uncertain Significance.